The following is an entry in ClinVar:

ClinVar aggregate classification (germline): Likely benign. Review status: criteria provided, multiple submitters, no conflicts (2 of 4 stars). 2 submissions from 2 submitters: Likely benign (2). Last evaluated 2017-04-27.

Conditions:
Upshaw-Schulman syndrome (TTP). Also called: Congenital thrombotic thrombocytopenic purpura; THROMBOTIC THROMBOCYTOPENIC PURPURA, HEREDITARY. Identifiers: Orphanet 93583, MedGen C1268935, MONDO:0010122, OMIM 274150.

Allele frequency attached by ClinVar (database versions not stated): 1000 Genomes Project 0.00519; gnomAD 0.00689 and 0.00660; gnomAD exomes 0.00273; 1000 Genomes Project 30x 0.00531; TOPMed 0.00747.
gnomAD v4.1: 2,491 of 669,392 alleles (0.37%); highest among the groups gnomAD compares: Middle Eastern, 3.9%; 15 homozygotes.

Submissions (2):

Illumina Laboratory Services, Illumina
Classification: Likely benign for Upshaw-Schulman syndrome. Last evaluated: 2017-04-27. Review status: criteria provided, single submitter. Criteria: ICSL Variant Classification Criteria 13 December 2019. Collection method: clinical testing. Allele origin: germline.
Comment: This variant was observed as part of a predisposition screen in an ostensibly healthy population. A literature search was performed for the gene, cDNA change, and amino acid change (where applicable). No publications were found based on this search. Allele frequency data from public databases allowed determination this variant is unlikely to cause disease. Therefore, this variant is classified as likely benign.

Breakthrough Genomics
Classification: Likely benign. Review status: criteria provided, single submitter. Criteria: ACMG Guidelines, 2015. Collection method: not provided. Allele origin: germline. Inheritance: Autosomal recessive inheritance. Affected: yes.

NM_139025.4(ADAMTS13):c.-168C>T

Gene: ADAMTS13 (ADAM metallopeptidase with thrombospondin type 1 motif 13; plus strand). Cytogenetic location: 9q34.2.
Variant type: single nucleotide variant.
Coding change: c.-168C>T on transcript NM_139025.4; 168 bases upstream of the start codon, C replaced by T.
Genome position (GRCh38, 1-based): chr9:133,422,276, C>T. VCF-style: chr9-133422276-C-T. GRCh37 (hg19) VCF-style: chr9-136287396-C-T.
Identifiers: ClinVar variation 913693 (VCV000913693.7), dbSNP rs36218240, ClinGen allele CA200878917.